The following is an entry in ClinVar:

ClinVar aggregate classification (germline): Pathogenic/Likely pathogenic. Review status: criteria provided, multiple submitters, no conflicts (2 of 4 stars). 3 submissions from 3 submitters: Pathogenic (2); Likely pathogenic (1). Last evaluated 2024-02-07.

Conditions:
Peroxisome biogenesis disorder 6A (Zellweger). Also called: Peroxisome biogenesis disorder 6A. Identifiers: Orphanet 912, MedGen C3553947, MONDO:0013936, OMIM 614870.
Spastic ataxia. Identifiers: Orphanet 316226, MedGen C1849156, MONDO:0017845, HP:0002497.
Peroxisome biogenesis disorder, complementation group 7 (CG7). Also called: Peroxisome biogenesis disorder, complementation group B. Identifiers: MedGen C1864399.

Allele frequency attached by ClinVar (database versions not stated): gnomAD exomes below 0.00001 and 0.00001; ExAC 0.00001.

Submissions (3):

Baylor Genetics
Classification: Likely pathogenic for Peroxisome biogenesis disorder 6A (Zellweger). Last evaluated: 2024-02-07. Review status: criteria provided, single submitter. Criteria: ACMG Guidelines, 2015. Collection method: clinical testing. Allele origin: unknown.

Labcorp Genetics (formerly Invitae), Labcorp
Classification: Pathogenic for Peroxisome biogenesis disorder, complementation group 7. Last evaluated: 2023-05-26. Review status: criteria provided, single submitter. Criteria: Invitae Variant Classification Sherloc (09022015). Collection method: clinical testing. Allele origin: germline.
Comment: For these reasons, this variant has been classified as Pathogenic. ClinVar contains an entry for this variant (Variation ID: 1027530). This variant has not been reported in the literature in individuals affected with PEX10-related conditions. This variant is not present in population databases (gnomAD no frequency). This sequence change creates a premature translational stop signal (p.Val166Serfs*38) in the PEX10 gene. It is expected to result in an absent or disrupted protein product. Loss-of-function variants in PEX10 are known to be pathogenic (PMID: 9683594, 10862081, 21031596).

Molecular Medicine for Neurodegenerative and Neuromuscular Diseases Unit, IRCCS Fondazione Stella Maris
Classification: Pathogenic for Spastic ataxia. Last evaluated: 2021-01-04. Review status: criteria provided, single submitter. Criteria: ACMG Guidelines, 2015. Collection method: research. Allele origin: unknown. Affected: yes.

Literature cited by the submitters: PubMed 9683594 (cited by Labcorp Genetics (formerly Invitae), Labcorp); PubMed 10862081 (cited by Labcorp Genetics (formerly Invitae), Labcorp); PubMed 21031596 (cited by Labcorp Genetics (formerly Invitae), Labcorp).

NM_002617.4(PEX10):c.496del (p.Val166fs)

Gene: PEX10 (peroxisomal biogenesis factor 10; minus strand). Cytogenetic location: 1p36.32.
Variant type: Deletion.
Coding change: c.496del on transcript NM_002617.4 (MANE Select); coding-DNA position 496, one base deleted (G; older notation c.496delG).
Protein change: p.Val166fs; shifts the reading frame from valine 166.
Molecular consequence: frameshift variant. On other transcripts: non-coding transcript variant (1).
Genome position (GRCh38, 1-based): chr1:2,408,556, C deleted on the plus strand (G on the coding strand, the reverse complement: PEX10 is on the minus strand). VCF-style (leftmost placement, unchanged base first): chr1-2408555-AC-A. GRCh37 (hg19) VCF-style: chr1-2339994-AC-A.
Other names: c.496delG (NM_153818.2); c.496del, p.Val166fs (NM_001374425.1, NM_153818.2); c.64del, p.Val22fs (NM_001374426.1, NM_001374427.1); short protein forms V166fs, V22fs.
Identifiers: ClinVar variation 1027530 (VCV001027530.7), dbSNP rs770937339, ClinGen allele CA538152.